The following is an entry in ClinVar:

ClinVar aggregate classification (germline): Pathogenic (1 of 4 stars; one submission).

Conditions:
Tumor predisposition syndrome 3 (TPDS3). Also called: Glioma susceptibility 9; LONG TELOMERE SYNDROME, POT1-RELATED; POT1 Tumor Predisposition; Melanoma, cutaneous malignant, susceptibility to, 10. Identifiers: Orphanet 618, MedGen C4014476, MONDO:0014368, OMIM 615848.

Submission:

Labcorp Genetics (formerly Invitae), Labcorp
Classification: Pathogenic for Tumor predisposition syndrome 3. Last evaluated: 2021-08-25. Review status: criteria provided, single submitter. Criteria: Invitae Variant Classification Sherloc (09022015). Collection method: clinical testing. Allele origin: germline.
Comment: For these reasons, this variant has been classified as Pathogenic. Algorithms developed to predict the effect of sequence changes on RNA splicing suggest that this variant may create or strengthen a splice site. This variant has not been reported in the literature in individuals affected with POT1-related conditions. This variant is not present in population databases (ExAC no frequency). This sequence change creates a premature translational stop signal (p.Met560Ilefs*10) in the POT1 gene. It is expected to result in an absent or disrupted protein product. Loss-of-function variants in POT1 are known to be pathogenic (PMID: 32155570).

Literature cited by the submitters: PubMed 32155570.

NM_015450.3(POT1):c.1639_1679dup (p.Met560delinsIleHisLeuMetMetGluGlnGluTyrTer)

Gene: POT1 (protection of telomeres 1; minus strand). Cytogenetic location: 7q31.33.
Variant type: Duplication.
Coding change: c.1639_1679dup on transcript NM_015450.3 (MANE Select); coding-DNA positions 1639 to 1679, 41 bases duplicated.
Protein change: p.Met560delinsIleHisLeuMetMetGluGlnGluTyrTer.
Molecular consequence: nonsense. On other transcripts: non-coding transcript variant (3).
Genome position (GRCh38, 1-based): chr7:124,827,221-124,827,261, 41 bases duplicated; duplicating any 41 consecutive bases within chr7:124,827,221-124,827,262 gives the same sequence; the c. name uses the placement nearest the transcript's 3' end. GRCh37 (hg19): chr7:124,467,276-124,467,316.
Other names: c.1246_1286dup, p.Met429delinsIleHisLeuMetMetGluGlnGluTyrTer (NM_001042594.2).
Identifiers: ClinVar variation 947880 (VCV000947880.8), dbSNP rs1794651890, ClinGen allele CA1139660227.